The following is an entry in ClinVar:

ClinVar aggregate classification (germline): Uncertain significance. Review status: criteria provided, multiple submitters, no conflicts (2 of 4 stars). 5 submissions from 5 submitters: Uncertain significance (5). Last evaluated 2026-03-25.

Conditions:
Malignant hyperthermia, susceptibility to, 5 (MHS5). Also called: CACNA1S-Related Malignant Hyperthermia Susceptibility. Identifiers: Orphanet 423, MedGen C1866077, MONDO:0011163, OMIM 601887.
Hypokalemic periodic paralysis, type 1. Also called: Hypokalemic Periodic Paralysis Type 1 (AD); HypoPP. Identifiers: Orphanet 681, MedGen C3714580, MONDO:0042979, OMIM 170400.
Inborn genetic diseases. Identifiers: MedGen C0950123, MeSH D030342.

Allele frequency attached by ClinVar (database versions not stated): gnomAD exomes below 0.00001 and 0.00001; TOPMed 0.00001; ESP Exome Variant Server 0.00008; ExAC 0.00002.

Submissions (5):

GeneDx
Classification: Uncertain significance. Last evaluated: 2026-03-25. Review status: criteria provided, single submitter. Criteria: GeneDx Variant Classification Process June 2021. Collection method: clinical testing. Allele origin: germline.
Comment: Not observed at significant frequency in large population cohorts (gnomAD); In silico analysis supports that this missense variant has a deleterious effect on protein structure/function; Has not been previously published as pathogenic or benign to our knowledge

Color Diagnostics, LLC DBA Color Health
Classification: Uncertain significance for Malignant hyperthermia, susceptibility to, 5. Last evaluated: 2025-06-09. Review status: criteria provided, single submitter. Criteria: ACMG Guidelines, 2015. Collection method: clinical testing. Allele origin: germline.
Comment: This missense variant replaces valine with methionine at codon 892 of the CACNA1S protein. Computational prediction suggests that this variant may have deleterious impact on protein structure and function. To our knowledge, functional studies have not been reported for this variant. This variant has not been reported in individuals affected with CACNA1S-related disorders in the literature. This variant has been identified in 2/249886 chromosomes in the general population by the Genome Aggregation Database (gnomAD). The available evidence is insufficient to determine the role of this variant in disease conclusively. Therefore, this variant is classified as a Variant of Uncertain Significance.

Ambry Genetics
Classification: Uncertain significance for Inborn genetic diseases. Last evaluated: 2024-02-06. Review status: criteria provided, single submitter. Criteria: Ambry Variant Classification Scheme 2023. Collection method: clinical testing. Allele origin: germline.

All of Us Research Program, National Institutes of Health
Classification: Uncertain significance for Malignant hyperthermia, susceptibility to, 5. Last evaluated: 2023-02-24. Review status: criteria provided, single submitter. Criteria: ACMG Guidelines, 2015. Collection method: clinical testing. Allele origin: germline. Inheritance: Autosomal dominant inheritance. Observed: 1 variant allele, 1 heterozygote.
Comment: This missense variant replaces valine with methionine at codon 892 of the CACNA1S protein. Computational prediction suggests that this variant may have deleterious impact on protein structure and function (internally defined REVEL score threshold >= 0.7, PMID: 27666373). To our knowledge, functional studies have not been reported for this variant. This variant has not been reported in individuals affected with CACNA1S-related disorders in the literature. This variant has been identified in 2/249886 chromosomes in the general population by the Genome Aggregation Database (gnomAD). The available evidence is insufficient to determine the role of this variant in disease conclusively. Therefore, this variant is classified as a Variant of Uncertain Significance.

This study involves interpretation of variants in research participants for the purpose of population health screening. Participant phenotype was not available at the time of variant classification. Additional details can be found in publication PMID: 35346344, PMCID: PMC8962531

Labcorp Genetics (formerly Invitae), Labcorp
Classification: Uncertain significance for Hypokalemic periodic paralysis, type 1; Malignant hyperthermia, susceptibility to, 5. Last evaluated: 2022-03-12. Review status: criteria provided, single submitter. Criteria: Invitae Variant Classification Sherloc (09022015). Collection method: clinical testing. Allele origin: germline.
Comment: In summary, the available evidence is currently insufficient to determine the role of this variant in disease. Therefore, it has been classified as a Variant of Uncertain Significance. Algorithms developed to predict the effect of missense changes on protein structure and function are either unavailable or do not agree on the potential impact of this missense change (SIFT: "Deleterious"; PolyPhen-2: "Probably Damaging"; Align-GVGD: "Class C0"). ClinVar contains an entry for this variant (Variation ID: 937685). This variant has not been reported in the literature in individuals affected with CACNA1S-related conditions. This variant is present in population databases (rs146823170, gnomAD 0.002%). This sequence change replaces valine, which is neutral and non-polar, with methionine, which is neutral and non-polar, at codon 892 of the CACNA1S protein (p.Val892Met).

NM_000069.3(CACNA1S):c.2674G>A (p.Val892Met)

Gene: CACNA1S (calcium voltage-gated channel subunit alpha1 S; minus strand). Cytogenetic location: 1q32.1.
Variant type: single nucleotide variant.
Coding change: c.2674G>A on transcript NM_000069.3 (MANE Select); coding-DNA position 2674, G replaced by A.
Protein change: p.Val892Met; replaces valine 892 with methionine.
Molecular consequence: missense variant.
Genome position (GRCh38, 1-based): chr1:201,066,300, C>T on the plus strand (G>A on the coding strand, the complement: CACNA1S is on the minus strand). VCF-style: chr1-201066300-C-T. GRCh37 (hg19) VCF-style: chr1-201035428-C-T.
Other names: short protein forms V892M.
Identifiers: ClinVar variation 937685 (VCV000937685.12), dbSNP rs146823170, ClinGen allele CA079216.
Genomic context (GRCh38, chr1:201,066,300, plus strand): 5'-TGGCTCTGTTGATGGCTCTGAGTGGTCGGAGCACCCTCAGCACCCTCAGGATCTTCACCA[C>T]GGAGATGGCACTGGACCTGGGGGGCGGCAATGGTGAGGGGGCTGAGGGCAGCCTGCTCCA-3'
Protein context (NP_000060.2, residues 882-902): SMGLESSAIS[Val892Met]VKILRVLRVL